The following is an entry in ClinVar:

NM_152594.3(SPRED1):c.535G>A (p.Glu179Lys)

Gene: SPRED1 (sprouty related EVH1 domain containing 1; plus strand). Cytogenetic location: 15q14.
Variant type: single nucleotide variant.
Coding change: c.535G>A on transcript NM_152594.3 (MANE Select); coding-DNA position 535, G replaced by A.
Protein change: p.Glu179Lys; replaces glutamic acid 179 with lysine.
Molecular consequence: missense variant.
Genome position (GRCh38, 1-based): chr15:38,339,848, G>A. VCF-style: chr15-38339848-G-A. GRCh37 (hg19) VCF-style: chr15-38632049-G-A.
Other names: short protein forms E179K.
Identifiers: ClinVar variation 961884 (VCV000961884.15), dbSNP rs143121426, ClinGen allele CA269292209.
Genomic context (GRCh38, chr15:38,339,848, plus strand): 5'-CAAGAGACAGTTGTTACCAGTGAGCCTTATAGAAGCTCAAATATAAGACCTTCTCCCTTT[G>A]AAGATCTGAATGCCAGAAGAGTCTACATGCAAAGCCAAGCCAATCAGGTAAGAAGATAAA-3'
Protein context (NP_689807.1, residues 169-189): RSSNIRPSPF[Glu179Lys]DLNARRVYMQ

ClinVar aggregate classification (germline): Uncertain significance. Review status: criteria provided, multiple submitters, no conflicts (2 of 4 stars). 4 submissions from 4 submitters: Uncertain significance (3). 1 of the submissions does not count toward it. Last evaluated 2025-12-01.

Conditions:
Noonan syndrome (NS). Also called: Noonan's syndrome. Identifiers: Orphanet 648, MedGen C0028326, MeSH D009634, MONDO:0018997. Disease mechanism: gain of function.
Cardiovascular phenotype. Identifiers: MedGen CN230736.
Legius syndrome. Identifiers: Orphanet 137605, MedGen C1969623, MONDO:0012669, OMIM 611431. Disease mechanism: loss of function.

Allele frequency attached by ClinVar (database versions not stated): gnomAD 0.00001; gnomAD exomes 0.00001; TOPMed 0.00001; ESP Exome Variant Server 0.00008.
gnomAD v4.1: 18 of 1,613,788 alleles (0.0011%); highest among the groups gnomAD compares: Admixed American, 0.0017%; no homozygotes.

Submissions (4):

Labcorp Genetics (formerly Invitae), Labcorp
Classification: Uncertain significance for Legius syndrome. Last evaluated: 2025-12-01. Review status: criteria provided, single submitter. Criteria: Invitae Variant Classification Sherloc (09022015). Collection method: clinical testing. Allele origin: germline.
Comment: This sequence change replaces glutamic acid, which is acidic and polar, with lysine, which is basic and polar, at codon 179 of the SPRED1 protein (p.Glu179Lys). This variant is present in population databases (rs143121426, gnomAD 0.007%). This variant has not been reported in the literature in individuals affected with SPRED1-related conditions. ClinVar contains an entry for this variant (Variation ID: 961884). Invitae Evidence Modeling incorporating data from in vitro experimental studies (internal data) indicates that this missense variant is not expected to disrupt SPRED1 function with a negative predictive value of 95%. In summary, the available evidence is currently insufficient to determine the role of this variant in disease. Therefore, it has been classified as a Variant of Uncertain Significance.

Ambry Genetics
Classification: Uncertain significance for Cardiovascular phenotype. Last evaluated: 2025-02-02. Review status: criteria provided, single submitter. Criteria: Ambry Variant Classification Scheme 2023. Collection method: clinical testing. Allele origin: germline.
Comment: The p.E179K variant (also known as c.535G>A), located in coding exon 5 of the SPRED1 gene, results from a G to A substitution at nucleotide position 535. The glutamic acid at codon 179 is replaced by lysine, an amino acid with similar properties. This amino acid position is conserved. In addition, this alteration is predicted to be tolerated by in silico analysis. Since supporting evidence is limited at this time, the clinical significance of this alteration remains unclear.

ARUP Laboratories, Molecular Genetics and Genomics, ARUP Laboratories
Classification: Uncertain significance for Legius syndrome. Last evaluated: 2022-04-29. Review status: criteria provided, single submitter. Criteria: ARUP Molecular Germline Variant Investigation Process 2021. Collection method: clinical testing. Allele origin: germline.
Comment: The SPRED1 c.535G>A; p.Glu179Lys variant (rs143121426), to our knowledge, is not reported in the medical literature but is reported in ClinVar (Variation ID: 961884). This variant is only observed on three alleles in the Genome Aggregation Database, indicating it is not a common polymorphism. The glutamic acid at codon 179 is highly conserved, but computational analyses are uncertain whether this variant is neutral or deleterious (REVEL: 0.278). Due to limited information, the clinical significance of the p.Glu179Lys variant is uncertain at this time.

Service de Génétique Moléculaire, Hôpital Robert Debré
Classification: Likely benign for Noonan syndrome. Review status: no assertion criteria provided. Collection method: clinical testing. Allele origin: maternal. Affected: no. Not counted in ClinVar's aggregate classification.